The following is an entry in ClinVar:

NM_014000.3(VCL):c.818T>C (p.Ile273Thr)

Gene: VCL (vinculin; plus strand). Cytogenetic location: 10q22.2.
Variant type: single nucleotide variant.
Coding change: c.818T>C on transcript NM_014000.3 (MANE Select); coding-DNA position 818, T replaced by C.
Protein change: p.Ile273Thr; replaces isoleucine 273 with threonine.
Molecular consequence: missense variant.
Genome position (GRCh38, 1-based): chr10:74,082,488, T>C. VCF-style: chr10-74082488-T-C. GRCh37 (hg19) VCF-style: chr10-75842246-T-C.
Other names: c.818T>C, p.Ile273Thr (NM_003373.4); short protein forms I273T.
Identifiers: ClinVar variation 1016938 (VCV001016938.14), dbSNP rs762380935, ClinGen allele CA5562870.
Genomic context (GRCh38, chr10:74,082,488, plus strand): 5'-ATAATGGTGGGATTTCTTCCCAAAAGGACACTGAAGCCATGAAGAGAGCATTGGCCTCCA[T>C]AGACTCCAAACTGAACCAGGCCAAAGGTTGGCTCCGTGACCCTAGTGCCTCCCCAGGTAA-3'
Protein context (NP_054706.1, residues 263-283): TEAMKRALAS[Ile273Thr]DSKLNQAKGW

ClinVar aggregate classification (germline): Uncertain significance. Review status: criteria provided, multiple submitters, no conflicts (2 of 4 stars). 3 submissions from 3 submitters: Uncertain significance (3). Last evaluated 2022-08-23.

Conditions:
Cardiovascular phenotype. Identifiers: MedGen CN230736.
Dilated cardiomyopathy 1W (CMD1W). Identifiers: Orphanet 154, MedGen C1969639, MONDO:0012667, OMIM 611407.

Allele frequency attached by ClinVar (database versions not stated): gnomAD exomes below 0.00001; ExAC 0.00001.
gnomAD v4.1: 2 of 1,614,188 alleles (0.00012%); highest among the groups gnomAD compares: Non-Finnish European, 0.000085%; no homozygotes.

Submissions (3):

GeneDx
Classification: Uncertain significance. Last evaluated: 2022-08-23. Review status: criteria provided, single submitter. Criteria: GeneDx Variant Classification Process June 2021. Collection method: clinical testing. Allele origin: germline. Affected: yes.
Comment: Has not been previously published as pathogenic or benign to our knowledge; Not observed at significant frequency in large population cohorts (gnomAD); In silico analysis supports that this missense variant has a deleterious effect on protein structure/function

Labcorp Genetics (formerly Invitae), Labcorp
Classification: Uncertain significance for Dilated cardiomyopathy 1W. Last evaluated: 2022-02-10. Review status: criteria provided, single submitter. Criteria: Invitae Variant Classification Sherloc (09022015). Collection method: clinical testing. Allele origin: germline.
Comment: Algorithms developed to predict the effect of missense changes on protein structure and function are either unavailable or do not agree on the potential impact of this missense change (SIFT: "Not Available"; PolyPhen-2: "Probably Damaging"; Align-GVGD: "Not Available"). This sequence change replaces isoleucine, which is neutral and non-polar, with threonine, which is neutral and polar, at codon 273 of the VCL protein (p.Ile273Thr). This variant is present in population databases (rs762380935, gnomAD 0.0009%). This variant has not been reported in the literature in individuals affected with VCL-related conditions. ClinVar contains an entry for this variant (Variation ID: 1016938). In summary, the available evidence is currently insufficient to determine the role of this variant in disease. Therefore, it has been classified as a Variant of Uncertain Significance.

Ambry Genetics
Classification: Uncertain significance for Cardiovascular phenotype. Last evaluated: 2021-05-27. Review status: criteria provided, single submitter. Criteria: Ambry Variant Classification Scheme 2023. Collection method: clinical testing. Allele origin: germline.
Comment: The p.I273T variant (also known as c.818T>C), located in coding exon 7 of the VCL gene, results from a T to C substitution at nucleotide position 818. The isoleucine at codon 273 is replaced by threonine, an amino acid with similar properties. This amino acid position is highly conserved in available vertebrate species. In addition, this alteration is predicted to be deleterious by in silico analysis. Since supporting evidence is limited at this time, the clinical significance of this alteration remains unclear.